The following is an entry in ClinVar:

ClinVar aggregate classification (germline): Benign. Review status: criteria provided, single submitter (1 of 4 stars). 2 submissions from 2 submitters: Benign (1). 1 of the submissions does not count toward it. Last evaluated 2025-01-27.

Conditions:
NOTCH2-related disorder. Also called: NOTCH2-related condition.
Hajdu-Cheney syndrome (HJCYS). Also called: SERPENTINE FIBULA-POLYCYSTIC KIDNEY SYNDROME; ACROOSTEOLYSIS WITH OSTEOPOROSIS AND CHANGES IN SKULL AND MANDIBLE; Acroosteolysis dominant type. Identifiers: Orphanet 955, MedGen C0917715, MONDO:0007057, OMIM 102500.

Allele frequency attached by ClinVar (database versions not stated): TOPMed 0.00001; gnomAD 0.00004; gnomAD exomes 0.00007; ExAC 0.00009; 1000 Genomes Project 30x 0.00016; 1000 Genomes Project 0.00020.
gnomAD v4.1: 104 of 1,614,216 alleles (0.0064%); highest among the groups gnomAD compares: South Asian, 0.094%; no homozygotes.

Submissions (2):

Labcorp Genetics (formerly Invitae), Labcorp
Classification: Benign for Hajdu-Cheney syndrome. Last evaluated: 2025-01-27. Review status: criteria provided, single submitter. Criteria: Invitae Variant Classification Sherloc (09022015). Collection method: clinical testing. Allele origin: germline.

PreventionGenetics, part of Exact Sciences
Classification: Likely benign for NOTCH2-related condition. Last evaluated: 2022-07-12. Review status: no assertion criteria provided. Collection method: clinical testing. Allele origin: germline. Not counted in ClinVar's aggregate classification.
Comment: This variant is classified as likely benign based on ACMG/AMP sequence variant interpretation guidelines (Richards et al. 2015 PMID: 25741868, with internal and published modifications).

NM_024408.4(NOTCH2):c.5401A>G (p.Arg1801Gly)

Gene: NOTCH2 (notch receptor 2; minus strand). Cytogenetic location: 1p12.
Variant type: single nucleotide variant.
Coding change: c.5401A>G on transcript NM_024408.4 (MANE Select); coding-DNA position 5401, A replaced by G.
Protein change: p.Arg1801Gly; replaces arginine 1801 with glycine.
Molecular consequence: missense variant.
Genome position (GRCh38, 1-based): chr1:119,920,307, T>C on the plus strand (A>G on the coding strand, the complement: NOTCH2 is on the minus strand). VCF-style: chr1-119920307-T-C. GRCh37 (hg19) VCF-style: chr1-120462930-T-C.
Other names: c.5401A>G (NM_024408.3); short protein forms R1801G.
Identifiers: ClinVar variation 2152570 (VCV002152570.6), dbSNP rs587736939, ClinGen allele CA1039646.